The following is an entry in ClinVar:

ClinVar aggregate classification (germline): Uncertain significance (1 of 4 stars; one submission).

Conditions:
Charcot-Marie-Tooth disease type 4. Also called: Charcot-Marie-Tooth disease, type IV; Charcot-Marie-Tooth, Type 4. Identifiers: Orphanet 64749, MedGen C4082197, MONDO:0018995.

Allele frequency attached by ClinVar (database versions not stated): gnomAD exomes below 0.00001.
gnomAD v4.1: 1 of 1,613,486 alleles (0.000062%); highest among the groups gnomAD compares: Non-Finnish European, 0.000085%; no homozygotes.

Submission:

Labcorp Genetics (formerly Invitae), Labcorp
Classification: Uncertain significance for Charcot-Marie-Tooth disease type 4. Last evaluated: 2021-03-01. Review status: criteria provided, single submitter. Criteria: Invitae Variant Classification Sherloc (09022015). Collection method: clinical testing. Allele origin: germline.
Comment: In summary, the available evidence is currently insufficient to determine the role of this variant in disease. Therefore, it has been classified as a Variant of Uncertain Significance. Algorithms developed to predict the effect of missense changes on protein structure and function (SIFT, PolyPhen-2, Align-GVGD) all suggest that this variant is likely to be tolerated, but these predictions have not been confirmed by published functional studies and their clinical significance is uncertain. This sequence change replaces arginine with serine at codon 629 of the FIG4 protein (p.Arg629Ser). The arginine residue is moderately conserved and there is a moderate physicochemical difference between arginine and serine. This variant has not been reported in the literature in individuals with FIG4-related conditions. This variant is not present in population databases (ExAC no frequency).

NM_014845.6(FIG4):c.1887A>C (p.Arg629Ser)

Gene: FIG4 (FIG4 phosphoinositide 5-phosphatase; plus strand). Cytogenetic location: 6q21.
Variant type: single nucleotide variant.
Coding change: c.1887A>C on transcript NM_014845.6 (MANE Select); coding-DNA position 1887, A replaced by C.
Protein change: p.Arg629Ser; replaces arginine 629 with serine.
Molecular consequence: missense variant.
Genome position (GRCh38, 1-based): chr6:109,777,058, A>C. VCF-style: chr6-109777058-A-C. GRCh37 (hg19) VCF-style: chr6-110098261-A-C.
Other names: short protein forms R629S.
Identifiers: ClinVar variation 1466011 (VCV001466011.6), dbSNP rs1399283870, ClinGen allele CA365230375.
Genomic context (GRCh38, chr6:109,777,058, plus strand): 5'-GCTCCCAACAGATTTTTATTTGCATCACAAAAATACCATGAGACTTTTGCCAACAAGAAG[A>C]AGGTATTTTTCTTCCTAGTCTGTAATATAAACTCCCATTTGGTGTTATTTTGAATATGAG-3'
Protein context (NP_055660.1, residues 619-639): KNTMRLLPTR[Arg629Ser]SYTYWWTPEV